The following is an entry in ClinVar:

NM_004208.4(AIFM1):c.1594A>G (p.Ser532Gly)

Genes: AIFM1 (apoptosis inducing factor mitochondria associated 1; minus strand), RAB33A (RAB33A, member RAS oncogene family; plus strand). Cytogenetic location: Xq26.1.
Variant type: single nucleotide variant.
Coding change: c.1594A>G on transcript NM_004208.4 (MANE Select); coding-DNA position 1594, A replaced by G.
Protein change: p.Ser532Gly; replaces serine 532 with glycine.
Molecular consequence: missense variant. On other transcripts: 3 prime UTR variant (1), non-coding transcript variant (1).
Genome position (GRCh38, 1-based): chrX:130,130,146, T>C on the plus strand (A>G on the coding strand, the complement: AIFM1 is on the minus strand). VCF-style: chrX-130130146-T-C. GRCh37 (hg19) VCF-style: chrX-129264121-T-C.
Other names: c.577A>G, p.Ser193Gly (NM_001130846.4); c.*822A>G (NM_001130847.4); c.1582A>G, p.Ser528Gly (NM_145812.3); short protein forms S528G, S532G, S193G.
Identifiers: ClinVar variation 646433 (VCV000646433.6), dbSNP rs1603218953, ClinGen allele CA414569690.
Genomic context (GRCh38, chrX:130,130,146, plus strand): 5'-GTGGAACTGCCGGGGTGCTGGGAGGAATAGTAATTTCTGAGGCCTCGGACTCTGTCTCAC[T>C]CTCTGATCGGATACCAGTTCCTGTGGCCAGCCCCCAAAACAAATAAACATGGAAGCAAAA-3'
Protein context (NP_004199.1, residues 522-542): EQSGTGIRSE[Ser532Gly]ETESEASEIT

ClinVar aggregate classification (germline): Uncertain significance (1 of 4 stars; one submission).

Conditions:
Charcot-Marie-Tooth Neuropathy X. Identifiers: MedGen CN118851.
Combined oxidative phosphorylation deficiency. Identifiers: MedGen C4540031, MONDO:0000732.

Allele frequency attached by ClinVar (database versions not stated): gnomAD exomes below 0.00001; gnomAD 0.00001; TOPMed 0.00002.
gnomAD v4.1: 2 of 1,210,024 alleles (0.00017%); highest among the groups gnomAD compares: Non-Finnish European, 0.00022%; no homozygotes.

Submission:

Labcorp Genetics (formerly Invitae), Labcorp
Classification: Uncertain significance for Charcot-Marie-Tooth Neuropathy X; Combined oxidative phosphorylation deficiency. Last evaluated: 2025-06-23. Review status: criteria provided, single submitter. Criteria: Invitae Variant Classification Sherloc (09022015). Collection method: clinical testing. Allele origin: germline.
Comment: This sequence change replaces serine, which is neutral and polar, with glycine, which is neutral and non-polar, at codon 532 of the AIFM1 protein (p.Ser532Gly). This variant is not present in population databases (gnomAD no frequency). This variant has not been reported in the literature in individuals affected with AIFM1-related conditions. ClinVar contains an entry for this variant (Variation ID: 646433). Invitae Evidence Modeling of protein sequence and biophysical properties (such as structural, functional, and spatial information, amino acid conservation, physicochemical variation, residue mobility, and thermodynamic stability) indicates that this missense variant is not expected to disrupt AIFM1 protein function with a negative predictive value of 80%. In summary, the available evidence is currently insufficient to determine the role of this variant in disease. Therefore, it has been classified as a Variant of Uncertain Significance.